The following is an entry in ClinVar:

NM_003640.5(ELP1):c.3949C>A (p.Pro1317Thr)

Gene: ELP1 (elongator acetyltransferase complex subunit 1; minus strand). Cytogenetic location: 9q31.3.
Variant type: single nucleotide variant.
Coding change: c.3949C>A on transcript NM_003640.5 (MANE Select); coding-DNA position 3949, C replaced by A.
Protein change: p.Pro1317Thr; replaces proline 1317 with threonine.
Molecular consequence: missense variant.
Genome position (GRCh38, 1-based): chr9:108,869,165, G>T on the plus strand (C>A on the coding strand, the complement: ELP1 is on the minus strand). VCF-style: chr9-108869165-G-T. GRCh37 (hg19) VCF-style: chr9-111631445-G-T.
Other names: c.3949C>A (NM_003640.4); c.3607C>A, p.Pro1203Thr (NM_001318360.2); c.2902C>A, p.Pro968Thr (NM_001330749.2); short protein forms P1317T, P968T, P1203T.
Identifiers: ClinVar variation 971048 (VCV000971048.9), dbSNP rs199595486, ClinGen allele CA5174114.

ClinVar aggregate classification (germline): Uncertain significance. Review status: criteria provided, multiple submitters, no conflicts (2 of 4 stars). 6 submissions from 6 submitters: Uncertain significance (5). 1 of the submissions does not count toward it. Last evaluated 2025-05-06.

Conditions:
ELP1-related disorder. Also called: ELP1-related condition.
Familial dysautonomia. Also called: FD; HSAN III. Identifiers: Orphanet 1764, MedGen C0013364, MONDO:0009131, OMIM 223900. Disease mechanism: loss of function.
Medulloblastoma (MDB). Also called: Medulloblastoma, somatic; MEDULLOBLASTOMA PREDISPOSITION SYNDROME. Identifiers: Orphanet 616, MedGen C0025149, MeSH D008527, MONDO:0007959, OMIM 155255, HP:0002885.

Allele frequency attached by ClinVar (database versions not stated): ExAC 0.00001; gnomAD exomes 0.00001; gnomAD 0.00007 and 0.00009; TOPMed 0.00034.
gnomAD v4.1: 24 of 1,613,944 alleles (0.0015%); highest among the groups gnomAD compares: Admixed American, 0.03%; no homozygotes.

Submissions (6):

PreventionGenetics, part of Exact Sciences
Classification: Uncertain significance for ELP1-related condition. Last evaluated: 2025-05-06. Review status: criteria provided, single submitter. Criteria: ACMG Guidelines, 2015. Collection method: clinical testing. Allele origin: germline.
Comment: The ELP1 c.3949C>A variant is predicted to result in the amino acid substitution p.Pro1317Thr. To our knowledge, this variant has not been reported in the literature. This variant is reported in 0.0056% of alleles in individuals of Latino descent in gnomAD. At this time, the clinical significance of this variant is uncertain due to the absence of conclusive functional and genetic evidence.

Ambry Genetics
Classification: Uncertain significance. Last evaluated: 2025-04-10. Review status: criteria provided, single submitter. Criteria: Ambry Variant Classification Scheme 2023. Collection method: clinical testing. Allele origin: germline.

Labcorp Genetics (formerly Invitae), Labcorp
Classification: Uncertain significance. Last evaluated: 2022-07-13. Review status: criteria provided, single submitter. Criteria: Invitae Variant Classification Sherloc (09022015). Collection method: clinical testing. Allele origin: germline.
Comment: This sequence change replaces proline, which is neutral and non-polar, with threonine, which is neutral and polar, at codon 1317 of the ELP1 protein (p.Pro1317Thr). This variant is present in population databases (rs199595486, gnomAD no frequency). This variant has not been reported in the literature in individuals affected with ELP1-related conditions. ClinVar contains an entry for this variant (Variation ID: 971048). Algorithms developed to predict the effect of missense changes on protein structure and function are either unavailable or do not agree on the potential impact of this missense change (SIFT: "Tolerated"; PolyPhen-2: "Possibly Damaging"; Align-GVGD: "Class C0"). In summary, the available evidence is currently insufficient to determine the role of this variant in disease. Therefore, it has been classified as a Variant of Uncertain Significance.

GeneDx
Classification: Uncertain significance. Last evaluated: 2022-06-21. Review status: criteria provided, single submitter. Criteria: GeneDx Variant Classification Process June 2021. Collection method: clinical testing. Allele origin: germline. Affected: yes.
Comment: Not observed at significant frequency in large population cohorts (gnomAD); In silico analysis supports that this missense variant has a deleterious effect on protein structure/function; Has not been previously published as pathogenic or benign to our knowledge

Fulgent Genetics
Classification: Uncertain significance for Medulloblastoma; Familial dysautonomia. Last evaluated: 2022-05-12. Review status: criteria provided, single submitter. Criteria: ACMG Guidelines, 2015. Collection method: clinical testing. Allele origin: unknown.

Natera, Inc.
Classification: Uncertain significance for Familial dysautonomia. Last evaluated: 2020-08-28. Review status: no assertion criteria provided. Collection method: clinical testing. Allele origin: germline. Not counted in ClinVar's aggregate classification.